The following is an entry in ClinVar:

NM_000051.4(ATM):c.7901A>T (p.Asp2634Val)

Genes: ATM (ATM serine/threonine kinase; plus strand), C11orf65 (chromosome 11 open reading frame 65; minus strand). Cytogenetic location: 11q22.3.
Variant type: single nucleotide variant.
Coding change: c.7901A>T on transcript NM_000051.4 (MANE Select); coding-DNA position 7901, A replaced by T.
Protein change: p.Asp2634Val; replaces aspartic acid 2634 with valine.
Molecular consequence: missense variant. On other transcripts: intron variant (2).
Genome position (GRCh38, 1-based): chr11:108,332,874, A>T. VCF-style: chr11-108332874-A-T. GRCh37 (hg19) VCF-style: chr11-108203601-A-T.
Other names: c.7901A>T, p.Asp2634Val (NM_001351834.2); c.641-23803T>A (NM_001330368.2); c.*38+2346T>A (NM_001351110.2); short protein forms D2634V.
Identifiers: ClinVar variation 234186 (VCV000234186.12), dbSNP rs876660909, ClinGen allele CA10579273.

ClinVar aggregate classification (germline): Uncertain significance. Review status: criteria provided, multiple submitters, no conflicts (2 of 4 stars). 2 submissions from 2 submitters: Uncertain significance (2). Last evaluated 2025-09-09.

Conditions:
Hereditary cancer-predisposing syndrome. Also called: Neoplastic Syndromes, Hereditary; Hereditary neoplastic syndrome; Tumor predisposition; Hereditary Cancer Syndrome. Identifiers: Orphanet 140162, MedGen C0027672, MeSH D009386, MONDO:0015356.
Ataxia-telangiectasia syndrome (AT). Also called: Ataxia telangiectasia (A-T); Cerebello-oculocutaneous telangiectasia; Immunodeficiency with ataxia telangiectasia; LOUIS-BAR SYNDROME; AT, COMPLEMENTATION GROUP C; ATAXIA-TELANGIECTASIA, FRESNO VARIANT. Identifiers: Orphanet 100, MedGen C0004135, MONDO:0008840, OMIM 208900.

Allele frequency attached by ClinVar (database versions not stated): TOPMed below 0.00001; gnomAD exomes below 0.00001.
gnomAD v4.1: 1 of 1,613,136 alleles (0.000062%); highest among the groups gnomAD compares: African/African-American, 0.0013%; no homozygotes.

Submissions (2):

Labcorp Genetics (formerly Invitae), Labcorp
Classification: Uncertain significance for Ataxia-telangiectasia syndrome. Last evaluated: 2025-09-09. Review status: criteria provided, single submitter. Criteria: Invitae Variant Classification Sherloc (09022015). Collection method: clinical testing. Allele origin: germline.
Comment: This sequence change replaces aspartic acid, which is acidic and polar, with valine, which is neutral and non-polar, at codon 2634 of the ATM protein (p.Asp2634Val). This variant is not present in population databases (gnomAD no frequency). This variant has not been reported in the literature in individuals affected with ATM-related conditions. ClinVar contains an entry for this variant (Variation ID: 234186). Invitae Evidence Modeling of protein sequence and biophysical properties (such as structural, functional, and spatial information, amino acid conservation, physicochemical variation, residue mobility, and thermodynamic stability) indicates that this missense variant is expected to disrupt ATM protein function with a positive predictive value of 95%. In summary, the available evidence is currently insufficient to determine the role of this variant in disease. Therefore, it has been classified as a Variant of Uncertain Significance.

Ambry Genetics
Classification: Uncertain significance for Hereditary cancer-predisposing syndrome. Last evaluated: 2024-06-18. Review status: criteria provided, single submitter. Criteria: Ambry Variant Classification Scheme 2023. Collection method: clinical testing. Allele origin: germline.
Comment: The p.D2634V variant (also known as c.7901A>T), located in coding exon 52 of the ATM gene, results from an A to T substitution at nucleotide position 7901. The aspartic acid at codon 2634 is replaced by valine, an amino acid with highly dissimilar properties. This amino acid position is highly conserved in available vertebrate species. In addition, this alteration is predicted to be deleterious by in silico analysis. Based on the available evidence, the clinical significance of this variant remains unclear.